The following is an entry in ClinVar:

ClinVar aggregate classification (germline): Likely benign (1 of 4 stars; one submission).

gnomAD v4.1: 1 of 1,209,595 alleles (0.000083%); highest among the groups gnomAD compares: Non-Finnish European, 0.00011%; no homozygotes.

Submission:

CeGaT Center for Human Genetics Tuebingen
Classification: Likely benign. Last evaluated: 2025-08-01. Review status: criteria provided, single submitter. Criteria: CeGaT Center For Human Genetics Tuebingen Variant Classification Criteria Version 2. Collection method: clinical testing. Allele origin: germline. Affected: yes. Observed: 1 variant allele.
Comment: GPC3: BP4, BP7

NM_004484.4(GPC3):c.201T>C (p.Pro67=)

Gene: GPC3 (glypican 3; minus strand). Cytogenetic location: Xq26.2.
Variant type: single nucleotide variant.
Coding change: c.201T>C on transcript NM_004484.4 (MANE Select); coding-DNA position 201, T replaced by C.
Protein change: p.Pro67=; no amino-acid change (proline 67 retained).
Molecular consequence: synonymous variant. On other transcripts: intron variant (1).
Genome position (GRCh38, 1-based): chrX:133,953,186, A>G on the plus strand (T>C on the coding strand, the complement: GPC3 is on the minus strand). VCF-style: chrX-133953186-A-G. GRCh37 (hg19) VCF-style: chrX-133087213-A-G.
Other names: c.201T>C, p.Pro67= (NM_001164617.2, NM_001164618.2); c.175+32089T>C (NM_001164619.2).
Identifiers: ClinVar variation 4083926 (VCV004083926.8).
Genomic context (GRCh38, chrX:133,953,186, plus strand): 5'-CAATCGTGCTGTTAGTTGGTATTTTTCTTCCATCTTTCTTGAGCAGCATGTTGGGCCCTT[A>G]GGGAGACATACTTGCAAATCTGATCCTGAAACAAACAAGGTTTTCATGTTTCAGTAAGCA-3'
Protein context (NP_004475.1, residues 57-77): VPGSDLQVCL[Pro67=]KGPTCCSRKM